The following is an entry in ClinVar:

NM_000439.5(PCSK1):c.2054C>G (p.Pro685Arg)

Genes: CAST (calpastatin; plus strand), PCSK1 (proprotein convertase subtilisin/kexin type 1; minus strand), LOC101929710 (uncharacterized LOC101929710; plus strand). Cytogenetic location: 5q15.
Variant type: single nucleotide variant.
Coding change: c.2054C>G on transcript NM_000439.5 (MANE Select); coding-DNA position 2054, C replaced by G.
Protein change: p.Pro685Arg; replaces proline 685 with arginine.
Molecular consequence: missense variant. On other transcripts: intron variant (11).
Genome position (GRCh38, 1-based): chr5:96,393,209, G>C on the plus strand (C>G on the coding strand, the complement: PCSK1 is on the minus strand). VCF-style: chr5-96393209-G-C. GRCh37 (hg19) VCF-style: chr5-95728913-G-C.
Other names: c.1913C>G, p.Pro638Arg (NM_001177875.2); c.-175+13557G>C (NM_001423254.1, NM_001423259.1, NM_001423255.1 and 6 more transcripts); c.-103+13557G>C (NM_001423253.1); c.-40+13557G>C (NM_001423258.1); short protein forms P638R, P685R.
Identifiers: ClinVar variation 4995070 (VCV004995070.1).

ClinVar aggregate classification (germline): Uncertain significance (1 of 4 stars; one submission).

Conditions:
PCSK1-related disorder. Also called: PCSK1-related condition.

Submission:

PreventionGenetics, part of Exact Sciences
Classification: Uncertain significance for PCSK1-related condition. Last evaluated: 2025-08-22. Review status: criteria provided, single submitter. Criteria: ACMG Guidelines, 2015. Collection method: clinical testing. Allele origin: germline.
Comment: The PCSK1 c.2054C>G variant is predicted to result in the amino acid substitution p.Pro685Arg. To our knowledge, this variant has not been reported in the literature or in a large population database (gnomAD), indicating this variant is rare. At this time, the clinical significance of this variant is uncertain due to the absence of conclusive functional and genetic evidence.